The following is an entry in ClinVar:

NM_004972.4(JAK2):c.3178-7_3178-4del

Genes: INSL6 (insulin like 6; minus strand), JAK2 (Janus kinase 2; plus strand). Cytogenetic location: 9p24.1.
Variant type: Microsatellite.
Coding change: c.3178-7_3178-4del on transcript NM_004972.4 (MANE Select); 7 bases into the intron before coding-DNA position 3178 through 4 bases into the intron before coding-DNA position 3178, 4 bases deleted (GTTT; older notation c.3178-7_3178-4delGTTT).
Molecular consequence: intron variant.
Genome position (GRCh38, 1-based): chr9:5,126,326-5,126,329, GTTT deleted; deleting any 4 consecutive bases within chr9:5,126,322-5,126,329 gives the same sequence; the c. name uses the placement nearest the transcript's 3' end. VCF-style (leftmost placement, unchanged base first): chr9-5126321-GGTTT-G. GRCh37 (hg19) VCF-style: chr9-5126321-GGTTT-G.
Other names: c.3178-7_3178-4del (NM_001322194.2, NM_001322195.2, NM_001322196.2); c.1963-7_1963-4del (NM_001322198.2, NM_001322199.2); c.2731-7_2731-4del (NM_001322204.2).
Identifiers: ClinVar variation 2775643 (VCV002775643.3), dbSNP rs755963730, ClinGen allele CA4972385.

ClinVar aggregate classification (germline): Uncertain significance (1 of 4 stars; one submission).

Submission:

Labcorp Genetics (formerly Invitae), Labcorp
Classification: Uncertain significance. Last evaluated: 2023-01-26. Review status: criteria provided, single submitter. Criteria: Invitae Variant Classification Sherloc (09022015). Collection method: clinical testing. Allele origin: germline.
Comment: This sequence change falls in intron 23 of the JAK2 gene. It does not directly change the encoded amino acid sequence of the JAK2 protein. This variant is present in population databases (rs755963730, gnomAD 0.01%). This variant has not been reported in the literature in individuals affected with JAK2-related conditions. Algorithms developed to predict the effect of sequence changes on RNA splicing suggest that this variant may disrupt the consensus splice site. In summary, the available evidence is currently insufficient to determine the role of this variant in disease. Therefore, it has been classified as a Variant of Uncertain Significance.